The following is an entry in ClinVar:

ClinVar aggregate classification (germline): Uncertain significance (1 of 4 stars; one submission).

Conditions:
Microphthalmia, isolated, with coloboma 6 (MCOPCB6). Also called: MICROPHTHALMIA/COLOBOMA 6; Microphthalmia with coloboma 6, digenic; Microphthalmia with coloboma 6. Identifiers: Orphanet 98938, MedGen C3150968, MONDO:0013376, OMIM 613703.
Klippel-Feil syndrome 1, autosomal dominant (KFS1). Also called: CERVICAL VERTEBRAL FUSION, AUTOSOMAL DOMINANT. Identifiers: Orphanet 2345, MedGen C1861689, MONDO:0007306, OMIM 118100.
Isolated microphthalmia 4. Identifiers: Orphanet 2542, MedGen C2751307, MONDO:0013130, OMIM 613094.
Leber congenital amaurosis 17 (LCA17). Identifiers: Orphanet 65, MedGen C3715164, MONDO:0014145, OMIM 615360.

gnomAD v4.1: 1 of 1,614,164 alleles (0.000062%); highest among the groups gnomAD compares: Non-Finnish European, 0.000085%; no homozygotes.

Submission:

Labcorp Genetics (formerly Invitae), Labcorp
Classification: Uncertain significance for Isolated microphthalmia 4; Leber congenital amaurosis 17; Klippel-Feil syndrome 1, autosomal dominant; Microphthalmia, isolated, with coloboma 6. Last evaluated: 2024-06-15. Review status: criteria provided, single submitter. Criteria: Invitae Variant Classification Sherloc (09022015). Collection method: clinical testing. Allele origin: germline.
Comment: This sequence change replaces serine, which is neutral and polar, with alanine, which is neutral and non-polar, at codon 106 of the GDF6 protein (p.Ser106Ala). This variant is present in population databases (rs751465124, gnomAD 0.0009%). This variant has not been reported in the literature in individuals affected with GDF6-related conditions. Advanced modeling of protein sequence and biophysical properties (such as structural, functional, and spatial information, amino acid conservation, physicochemical variation, residue mobility, and thermodynamic stability) performed at Invitae indicates that this missense variant is not expected to disrupt GDF6 protein function with a negative predictive value of 80%. In summary, the available evidence is currently insufficient to determine the role of this variant in disease. Therefore, it has been classified as a Variant of Uncertain Significance.

NM_001001557.4(GDF6):c.316T>G (p.Ser106Ala)

Gene: GDF6 (growth differentiation factor 6; minus strand). Cytogenetic location: 8q22.1.
Variant type: single nucleotide variant.
Coding change: c.316T>G on transcript NM_001001557.4 (MANE Select); coding-DNA position 316, T replaced by G.
Protein change: p.Ser106Ala; replaces serine 106 with alanine.
Molecular consequence: missense variant.
Genome position (GRCh38, 1-based): chr8:96,160,377, A>C on the plus strand (T>G on the coding strand, the complement: GDF6 is on the minus strand). VCF-style: chr8-96160377-A-C. GRCh37 (hg19) VCF-style: chr8-97172605-A-C.
Other names: short protein forms S106A.
Identifiers: ClinVar variation 3756746 (VCV003756746.2).